The following is an entry in ClinVar:

NM_018075.5(ANO10):c.17C>G (p.Ser6Ter)

Gene: ANO10 (anoctamin 10; minus strand). Cytogenetic location: 3p21.33.
Variant type: single nucleotide variant.
Coding change: c.17C>G on transcript NM_018075.5 (MANE Select); coding-DNA position 17, C replaced by G.
Protein change: p.Ser6Ter; replaces serine 6 with a stop codon.
Molecular consequence: nonsense.
Genome position (GRCh38, 1-based): chr3:43,605,836, G>C on the plus strand (C>G on the coding strand, the complement: ANO10 is on the minus strand). VCF-style: chr3-43605836-G-C. GRCh37 (hg19) VCF-style: chr3-43647328-G-C.
Other names: c.17C>G, p.Ser6Ter (NM_001204831.3, NM_001204832.3, NM_001204833.3 and 8 more transcripts); short protein forms S6*.
Identifiers: ClinVar variation 5006618 (VCV005006618.2).

ClinVar aggregate classification (germline): Likely pathogenic (1 of 4 stars; one submission).

Conditions:
Autosomal recessive spinocerebellar ataxia 10. Identifiers: Orphanet 284289, MedGen C3150998, MONDO:0013392, OMIM 613728.

Submission:

Juno Genomics, Hangzhou Juno Genomics, Inc
Classification: Likely pathogenic for Autosomal recessive spinocerebellar ataxia 10. Review status: criteria provided, single submitter. Criteria: ACMG Guidelines, 2015. Collection method: clinical testing. Allele origin: germline.
Comment: Null variant in a gene where loss of function (LOF) is a known mechanism of disease.;Absent from controls (or at extremely low frequency if recessive) in Genome Aggregation Database.